The following is an entry in ClinVar:

ClinVar aggregate classification (germline): Benign. Review status: criteria provided, multiple submitters, no conflicts (2 of 4 stars). 2 submissions from 2 submitters: Benign (2). Last evaluated 2018-06-14.

Allele frequency attached by ClinVar (database versions not stated): gnomAD exomes 0.00314 and 0.00897; ExAC 0.01089; gnomAD 0.03223 and 0.03454; TOPMed 0.03671; ESP Exome Variant Server 0.03830; 1000 Genomes Project 0.03874; 1000 Genomes Project 30x 0.04201.
gnomAD v4.1: 9,603 of 1,584,302 alleles (0.61%); highest among the groups gnomAD compares: African/African-American, 11%; 533 homozygotes.

Submissions (2):

GeneDx
Classification: Benign. Last evaluated: 2018-06-14. Review status: criteria provided, single submitter. Criteria: GeneDx Variant Classification (06012015). Collection method: clinical testing. Allele origin: germline. Affected: yes.
Comment: This variant is considered likely benign or benign based on one or more of the following criteria: it is a conservative change, it occurs at a poorly conserved position in the protein, it is predicted to be benign by multiple in silico algorithms, and/or has population frequency not consistent with disease.

Breakthrough Genomics
Classification: Benign. Review status: criteria provided, single submitter. Criteria: ACMG Guidelines, 2015. Collection method: not provided. Allele origin: germline. Inheritance: Autosomal dominant inheritance. Affected: yes.

NM_020774.4(MIB1):c.230-29A>C

Gene: MIB1 (MIB E3 ubiquitin protein ligase 1; plus strand). Cytogenetic location: 18q11.2.
Variant type: single nucleotide variant.
Coding change: c.230-29A>C on transcript NM_020774.4 (MANE Select); 29 bases into the intron before coding-DNA position 230, A replaced by C.
Molecular consequence: intron variant.
Genome position (GRCh38, 1-based): chr18:21,765,743, A>C. VCF-style: chr18-21765743-A-C. GRCh37 (hg19) VCF-style: chr18-19345704-A-C.
Identifiers: ClinVar variation 679093 (VCV000679093.2), dbSNP rs3017047, ClinGen allele CA8907961.